The following is an entry in ClinVar:

ClinVar aggregate classification (germline): Uncertain significance (1 of 4 stars; one submission).

Conditions:
Short-rib thoracic dysplasia 10 with or without polydactyly (SRTD10). Identifiers: Orphanet 474, MedGen C3810175, MONDO:0014284, OMIM 615630.
Retinitis pigmentosa 71 (RP71). Identifiers: Orphanet 791, MedGen C4225342, MONDO:0014618, OMIM 616394.

Allele frequency attached by ClinVar (database versions not stated): TOPMed below 0.00001.

Submission:

Labcorp Genetics (formerly Invitae), Labcorp
Classification: Uncertain significance for Retinitis pigmentosa 71; Short-rib thoracic dysplasia 10 with or without polydactyly. Last evaluated: 2022-08-16. Review status: criteria provided, single submitter. Criteria: Invitae Variant Classification Sherloc (09022015). Collection method: clinical testing. Allele origin: germline.
Comment: This sequence change replaces serine, which is neutral and polar, with phenylalanine, which is neutral and non-polar, at codon 54 of the IFT172 protein (p.Ser54Phe). In summary, the available evidence is currently insufficient to determine the role of this variant in disease. Therefore, it has been classified as a Variant of Uncertain Significance. Algorithms developed to predict the effect of missense changes on protein structure and function are either unavailable or do not agree on the potential impact of this missense change (SIFT: "Deleterious"; PolyPhen-2: "Probably Damaging"; Align-GVGD: "Class C0"). This variant has not been reported in the literature in individuals affected with IFT172-related conditions. This variant is not present in population databases (gnomAD no frequency).

NM_015662.3(IFT172):c.161C>T (p.Ser54Phe)

Gene: IFT172 (intraflagellar transport 172; minus strand). Cytogenetic location: 2p23.3.
Variant type: single nucleotide variant.
Coding change: c.161C>T on transcript NM_015662.3 (MANE Select); coding-DNA position 161, C replaced by T.
Protein change: p.Ser54Phe; replaces serine 54 with phenylalanine.
Molecular consequence: missense variant.
Genome position (GRCh38, 1-based): chr2:27,485,382, G>A on the plus strand (C>T on the coding strand, the complement: IFT172 is on the minus strand). VCF-style: chr2-27485382-G-A. GRCh37 (hg19) VCF-style: chr2-27708249-G-A.
Other names: c.161C>T, p.Ser54Phe (NM_001410739.1); short protein forms S54F.
Identifiers: ClinVar variation 1926692 (VCV001926692.3), dbSNP rs1668685307, ClinGen allele CA346403005.